The following is an entry in ClinVar:

NM_012448.4(STAT5B):c.1100C>G (p.Pro367Arg)

Gene: STAT5B (signal transducer and activator of transcription 5B; minus strand). Cytogenetic location: 17q21.2.
Variant type: single nucleotide variant.
Coding change: c.1100C>G on transcript NM_012448.4 (MANE Select); coding-DNA position 1100, C replaced by G.
Protein change: p.Pro367Arg; replaces proline 367 with arginine.
Molecular consequence: missense variant.
Genome position (GRCh38, 1-based): chr17:42,218,220, G>C on the plus strand (C>G on the coding strand, the complement: STAT5B is on the minus strand). VCF-style: chr17-42218220-G-C. GRCh37 (hg19) VCF-style: chr17-40370238-G-C.
Other names: short protein forms P367R.
Identifiers: ClinVar variation 3706263 (VCV003706263.2).
Genomic context (GRCh38, chr17:42,218,220, plus strand): 5'-TTCTCGTTCTTGAGCAGAGACTTGGCCTGCTGCTCACTGATGATGGTGGCCTTCACCTGG[G>C]GGGGGTTCATGTGCACGTTCAGCTTCCCGCCCACCAGCAGGCGCACAGTGGCTGCAAACT-3'
Protein context (NP_036580.2, residues 357-377): GGKLNVHMNP[Pro367Arg]QVKATIISEQ

ClinVar aggregate classification (germline): Uncertain significance (1 of 4 stars; one submission).

Conditions:
Growth hormone insensitivity with immune dysregulation 1, autosomal recessive. Also called: Laron syndrome with immunodeficiency; GROWTH HORMONE INSENSITIVITY DUE TO POSTRECEPTOR DEFECT; LARON SYNDROME DUE TO POSTRECEPTOR DEFECT; GROWTH HORMONE INSENSITIVITY SYNDROME WITH IMMUNE DYSREGULATION 1, AUTOSOMAL RECESSIVE. Identifiers: Orphanet 220465, MedGen C5435698, MONDO:0100211, OMIM 245590.

Submission:

Labcorp Genetics (formerly Invitae), Labcorp
Classification: Uncertain significance for Growth hormone insensitivity with immune dysregulation 1, autosomal recessive. Last evaluated: 2025-01-13. Review status: criteria provided, single submitter. Criteria: Invitae Variant Classification Sherloc (09022015). Collection method: clinical testing. Allele origin: germline.
Comment: This sequence change replaces proline, which is neutral and non-polar, with arginine, which is basic and polar, at codon 367 of the STAT5B protein (p.Pro367Arg). This variant is not present in population databases (gnomAD no frequency). This variant has not been reported in the literature in individuals affected with STAT5B-related conditions. Invitae Evidence Modeling of protein sequence and biophysical properties (such as structural, functional, and spatial information, amino acid conservation, physicochemical variation, residue mobility, and thermodynamic stability) indicates that this missense variant is expected to disrupt STAT5B protein function with a positive predictive value of 80%. In summary, the available evidence is currently insufficient to determine the role of this variant in disease. Therefore, it has been classified as a Variant of Uncertain Significance.